The following is an entry in ClinVar:

NM_001271.4(CHD2):c.680C>A (p.Ala227Asp)

Gene: CHD2 (chromodomain helicase DNA binding protein 2; plus strand). Cytogenetic location: 15q26.1.
Variant type: single nucleotide variant.
Coding change: c.680C>A on transcript NM_001271.4 (MANE Select); coding-DNA position 680, C replaced by A.
Protein change: p.Ala227Asp; replaces alanine 227 with aspartic acid.
Molecular consequence: missense variant.
Genome position (GRCh38, 1-based): chr15:92,939,706, C>A. VCF-style: chr15-92939706-C-A. GRCh37 (hg19) VCF-style: chr15-93482936-C-A.
Other names: c.680C>A, p.Ala227Asp (NM_001042572.3); short protein forms A227D.
Identifiers: ClinVar variation 5008512 (VCV005008512.1).

ClinVar aggregate classification (germline): Uncertain significance (1 of 4 stars; one submission).

Submission:

GeneDx
Classification: Uncertain significance. Last evaluated: 2026-03-04. Review status: criteria provided, single submitter. Criteria: GeneDx Variant Classification Process June 2021. Collection method: clinical testing. Allele origin: germline.
Comment: Not observed at significant frequency in large population cohorts (gnomAD); In silico analysis supports that this missense variant has a deleterious effect on protein structure/function; Has not been previously published as pathogenic or benign to our knowledge